The following is an entry in ClinVar:

NM_001122681.2(SH3BP2):c.1261C>T (p.Gln421Ter)

Gene: SH3BP2 (SH3 domain binding protein 2; plus strand). Cytogenetic location: 4p16.3.
Variant type: single nucleotide variant.
Coding change: c.1261C>T on transcript NM_001122681.2 (MANE Select); coding-DNA position 1261, C replaced by T.
Protein change: p.Gln421Ter; replaces glutamine 421 with a stop codon.
Molecular consequence: nonsense.
Genome position (GRCh38, 1-based): chr4:2,831,590, C>T. VCF-style: chr4-2831590-C-T. GRCh37 (hg19) VCF-style: chr4-2833317-C-T.
Other names: c.1345C>T, p.Gln449Ter (NM_001145855.2); c.1432C>T, p.Gln478Ter (NM_001145856.2); c.1261C>T, p.Gln421Ter (NM_003023.4); short protein forms Q421*, Q449*, Q478*.
Identifiers: ClinVar variation 2880329 (VCV002880329.3), dbSNP rs2530356924, ClinGen allele CA356057597.

ClinVar aggregate classification (germline): Uncertain significance (1 of 4 stars; one submission).

Conditions:
Fibrous dysplasia of jaw (CRBM). Also called: Cherubism. Identifiers: Orphanet 184, MedGen C0008029, MONDO:0007315, OMIM 118400.

Submission:

Labcorp Genetics (formerly Invitae), Labcorp
Classification: Uncertain significance for Fibrous dysplasia of jaw. Last evaluated: 2023-06-25. Review status: criteria provided, single submitter. Criteria: Invitae Variant Classification Sherloc (09022015). Collection method: clinical testing. Allele origin: germline.
Comment: In summary, the available evidence is currently insufficient to determine the role of this variant in disease. Therefore, it has been classified as a Variant of Uncertain Significance. This variant has not been reported in the literature in individuals affected with SH3BP2-related conditions. This variant is not present in population databases (gnomAD no frequency). This sequence change creates a premature translational stop signal (p.Gln421*) in the SH3BP2 gene. It is expected to result in an absent or disrupted protein product. However, the current clinical and genetic evidence is not sufficient to establish whether loss-of-function variants in SH3BP2 cause disease.